The following is an entry in ClinVar:

ClinVar aggregate classification (germline): Likely pathogenic (1 of 4 stars; one submission).

Conditions:
Deficiency of alpha-mannosidase (MANSA). Also called: Alpha-Mannosidosis; Mannosidosis, alpha-, types I and II; LYSOSOMAL ALPHA-D-MANNOSIDASE DEFICIENCY. Identifiers: Orphanet 61, MedGen C0024748, MONDO:0009561, OMIM 248500.

Submission:

Natera, Inc.
Classification: Likely pathogenic for Alpha-mannosidosis. Last evaluated: 2024-02-24. Review status: criteria provided, single submitter. Criteria: Natera Variant Classification Schema (03/2026). Collection method: clinical testing. Allele origin: germline.
Comment: The c.2944_2947dupCCGT variant in MAN2B1 is a frameshift variant predicted to elongate the protein beyond the termination codon. This variant is expected to result in nonsense mediated decay, truncation, or a dysfunctional protein product. This variant is rare in the general population with a frequency below the threshold expected for the associated phenotype(s). Given the available evidence, this variant is classified as Likely Pathogenic.

NM_000528.4(MAN2B1):c.2944_2947dup (p.Tyr983fs)

Gene: MAN2B1 (mannosidase alpha class 2B member 1; minus strand). Cytogenetic location: 19p13.13.
Variant type: Duplication.
Coding change: c.2944_2947dup on transcript NM_000528.4 (MANE Select); coding-DNA positions 2944 to 2947, 4 bases duplicated (CCGT; older notation c.2944_2947dupCCGT).
Protein change: p.Tyr983fs; shifts the reading frame from tyrosine 983.
Molecular consequence: frameshift variant.
Genome position (GRCh38, 1-based): chr19:12,646,709-12,646,712, ACGG duplicated on the plus strand (CCGT on the coding strand, the reverse complement: MAN2B1 is on the minus strand); duplicating any 4 consecutive bases within chr19:12,646,709-12,646,713 gives the same sequence; the c. name uses the placement nearest the transcript's 3' end. VCF-style (leftmost placement, unchanged base first): chr19-12646708-T-TACGG. GRCh37 (hg19) VCF-style: chr19-12757522-T-TACGG.
Other names: c.2941_2944dup, p.Tyr982fs (NM_001173498.2); c.2947_2950dup, p.Tyr984fs (NM_001440570.1); short protein forms Y982fs, Y983fs, Y984fs.
Identifiers: ClinVar variation 4814316 (VCV004814316.1).
Genomic context (GRCh38, chr19:12,646,708, plus strand): 5'-GAGGCCAGGAAAGTGCGGATTTCCATGGGTTCCAGCGTGATGTTGGCCGGGTCCAGCTGG[T>TACGG]ACGGAGTTTGGTGGGGTGTGGGGCCTGGAGAGGTGCAGGGGGAAGGAGGAGTGAGGAGGT-3'